The following is an entry in ClinVar:

ClinVar aggregate classification (germline): Uncertain significance (1 of 4 stars; one submission).

gnomAD v4.1: 17 of 1,614,038 alleles (0.0011%); highest among the groups gnomAD compares: Admixed American, 0.027%; no homozygotes.

Submission:

Labcorp Genetics (formerly Invitae), Labcorp
Classification: Uncertain significance. Last evaluated: 2023-12-11. Review status: criteria provided, single submitter. Criteria: Invitae Variant Classification Sherloc (09022015). Collection method: clinical testing. Allele origin: germline.
Comment: This sequence change replaces proline, which is neutral and non-polar, with alanine, which is neutral and non-polar, at codon 552 of the ARHGAP31 protein (p.Pro552Ala). This variant is present in population databases (rs370183659, gnomAD 0.03%). This variant has not been reported in the literature in individuals affected with ARHGAP31-related conditions. ClinVar contains an entry for this variant (Variation ID: 2170215). Algorithms developed to predict the effect of missense changes on protein structure and function output the following: SIFT: "Not Available"; PolyPhen-2: "Benign"; Align-GVGD: "Not Available". The alanine amino acid residue is found in multiple mammalian species, which suggests that this missense change does not adversely affect protein function. In summary, the available evidence is currently insufficient to determine the role of this variant in disease. Therefore, it has been classified as a Variant of Uncertain Significance.

NM_020754.4(ARHGAP31):c.1654C>G (p.Pro552Ala)

Gene: ARHGAP31 (Rho GTPase activating protein 31; plus strand). Cytogenetic location: 3q13.33.
Variant type: single nucleotide variant.
Coding change: c.1654C>G on transcript NM_020754.4 (MANE Select); coding-DNA position 1654, C replaced by G.
Protein change: p.Pro552Ala; replaces proline 552 with alanine.
Molecular consequence: missense variant.
Genome position (GRCh38, 1-based): chr3:119,409,504, C>G. VCF-style: chr3-119409504-C-G. GRCh37 (hg19) VCF-style: chr3-119128351-C-G.
Other names: short protein forms P552A.
Identifiers: ClinVar variation 2170215 (VCV002170215.4), dbSNP rs370183659, ClinGen allele CA2553874.